The following is an entry in ClinVar:

ClinVar aggregate classification (germline): Uncertain significance. Review status: criteria provided, multiple submitters, no conflicts (2 of 4 stars). 4 submissions from 4 submitters: Uncertain significance (4). Last evaluated 2025-01-29.

Conditions:
Idiopathic generalized epilepsy. Also called: Generalised epilepsy; EIG. Identifiers: MedGen C0270850, MONDO:0005579, OMIM 600669.
Hyperaldosteronism, familial, type IV (HALD4). Also called: FH IV; ALDOSTERONISM, PRIMARY, AND HYPERTENSION. Identifiers: Orphanet 642671, MedGen C4310756, MONDO:0014875, OMIM 617027.
Epilepsy, childhood absence, susceptibility to, 6. Identifiers: Orphanet 64280, MedGen C2749872, MONDO:0012763, OMIM 611942.
Inborn genetic diseases. Identifiers: MedGen C0950123, MeSH D030342.

Allele frequency attached by ClinVar (database versions not stated): gnomAD exomes 0.00002 and 0.00006; TOPMed 0.00002; ExAC 0.00005.
gnomAD v4.1: 9 of 1,552,932 alleles (0.00058%); highest among the groups gnomAD compares: Admixed American, 0.018%; no homozygotes.

Submissions (4):

Labcorp Genetics (formerly Invitae), Labcorp
Classification: Uncertain significance for Idiopathic generalized epilepsy; Hyperaldosteronism, familial, type IV. Last evaluated: 2025-01-29. Review status: criteria provided, single submitter. Criteria: Invitae Variant Classification Sherloc (09022015). Collection method: clinical testing. Allele origin: germline.
Comment: This sequence change replaces phenylalanine, which is neutral and non-polar, with cysteine, which is neutral and slightly polar, at codon 1840 of the CACNA1H protein (p.Phe1840Cys). This variant is present in population databases (rs755405205, gnomAD 0.04%), and has an allele count higher than expected for a pathogenic variant. This variant has not been reported in the literature in individuals affected with CACNA1H-related conditions. ClinVar contains an entry for this variant (Variation ID: 572075). Invitae Evidence Modeling of protein sequence and biophysical properties (such as structural, functional, and spatial information, amino acid conservation, physicochemical variation, residue mobility, and thermodynamic stability) indicates that this missense variant is expected to disrupt CACNA1H protein function with a positive predictive value of 80%. In summary, the available evidence is currently insufficient to determine the role of this variant in disease. Therefore, it has been classified as a Variant of Uncertain Significance.

Ambry Genetics
Classification: Uncertain significance for Inborn genetic diseases. Last evaluated: 2024-05-23. Review status: criteria provided, single submitter. Criteria: Ambry Variant Classification Scheme 2023. Collection method: clinical testing. Allele origin: germline.

Mayo Clinic Laboratories, Mayo Clinic
Classification: Uncertain significance. Last evaluated: 2023-01-30. Review status: criteria provided, single submitter. Criteria: ACMG Guidelines, 2015. Collection method: clinical testing. Allele origin: germline. Observed: 1 variant allele.
Comment: PP3

Fulgent Genetics
Classification: Uncertain significance for Epilepsy, childhood absence, susceptibility to, 6; Hyperaldosteronism, familial, type IV. Last evaluated: 2022-04-08. Review status: criteria provided, single submitter. Criteria: ACMG Guidelines, 2015. Collection method: clinical testing. Allele origin: unknown.

NM_021098.3(CACNA1H):c.5519T>G (p.Phe1840Cys)

Gene: CACNA1H (calcium voltage-gated channel subunit alpha1 H; plus strand). Cytogenetic location: 16p13.3.
Variant type: single nucleotide variant.
Coding change: c.5519T>G on transcript NM_021098.3 (MANE Select); coding-DNA position 5519, T replaced by G.
Protein change: p.Phe1840Cys; replaces phenylalanine 1840 with cysteine.
Molecular consequence: missense variant.
Genome position (GRCh38, 1-based): chr16:1,218,283, T>G. VCF-style: chr16-1218283-T-G. GRCh37 (hg19) VCF-style: chr16-1268283-T-G.
Other names: p.Phe1840Cys; c.5501T>G, p.Phe1834Cys (NM_001005407.2); short protein forms F1840C, F1834C.
Identifiers: ClinVar variation 572075 (VCV000572075.11), dbSNP rs755405205, ClinGen allele CA7802062.